The following is an entry in ClinVar:

ClinVar aggregate classification (germline): Likely benign (0 of 4 stars; one submission).

Conditions:
ACOX2-related disorder. Also called: ACOX2-related condition.

Submission:

PreventionGenetics, part of Exact Sciences
Classification: Likely benign for ACOX2-related condition. Last evaluated: 2022-05-25. Review status: no assertion criteria provided. Collection method: clinical testing. Allele origin: germline.
Comment: This variant is classified as likely benign based on ACMG/AMP sequence variant interpretation guidelines (Richards et al. 2015 PMID: 25741868, with internal and published modifications).

NM_003500.4(ACOX2):c.1995C>T (p.Ala665=)

Gene: ACOX2 (acyl-CoA oxidase 2; minus strand). Cytogenetic location: 3p14.3.
Variant type: single nucleotide variant.
Coding change: c.1995C>T on transcript NM_003500.4 (MANE Select); coding-DNA position 1995, C replaced by T.
Protein change: p.Ala665=; no amino-acid change (alanine 665 retained).
Molecular consequence: synonymous variant.
Genome position (GRCh38, 1-based): chr3:58,505,275, G>A on the plus strand (C>T on the coding strand, the complement: ACOX2 is on the minus strand). VCF-style: chr3-58505275-G-A. GRCh37 (hg19) VCF-style: chr3-58491002-G-A.
Identifiers: ClinVar variation 3046987 (VCV003046987.2), dbSNP rs2471437232, ClinGen allele CA434043222.
Genomic context (GRCh38, chr3:58,505,275, plus strand): 5'-TTGGTTATTTCATAGCTTGGATCTCCAACTTTGTAAAAGTGGTCTTATATATTCCTCATA[G>A]GCAGGGTTCTCCTGTTTGTAGAAAGAAACGCATTATTAACACAGTACATTTCTGCCAGGA-3'
Protein context (NP_003491.1, residues 655-675): KSPTNTQENP[Ala665=]YEEYIRPLLQ